The following is an entry in ClinVar:

ClinVar aggregate classification (germline): Uncertain significance (1 of 4 stars; one submission).

Submission:

Labcorp Genetics (formerly Invitae), Labcorp
Classification: Uncertain significance. Last evaluated: 2022-05-13. Review status: criteria provided, single submitter. Criteria: Invitae Variant Classification Sherloc (09022015). Collection method: clinical testing. Allele origin: germline.
Comment: This variant has not been reported in the literature in individuals affected with CAD-related conditions. This variant is not present in population databases (gnomAD no frequency). This sequence change replaces isoleucine, which is neutral and non-polar, with threonine, which is neutral and polar, at codon 1042 of the CAD protein (p.Ile1042Thr). Algorithms developed to predict the effect of missense changes on protein structure and function (SIFT, PolyPhen-2, Align-GVGD) all suggest that this variant is likely to be disruptive. In summary, the available evidence is currently insufficient to determine the role of this variant in disease. Therefore, it has been classified as a Variant of Uncertain Significance.

NM_004341.5(CAD):c.3125T>C (p.Ile1042Thr)

Gene: CAD (carbamoyl-phosphate synthetase 2, aspartate transcarbamylase, and dihydroorotase; plus strand). Cytogenetic location: 2p23.3.
Variant type: single nucleotide variant.
Coding change: c.3125T>C on transcript NM_004341.5 (MANE Select); coding-DNA position 3125, T replaced by C.
Protein change: p.Ile1042Thr; replaces isoleucine 1042 with threonine.
Molecular consequence: missense variant.
Genome position (GRCh38, 1-based): chr2:27,233,445, T>C. VCF-style: chr2-27233445-T-C. GRCh37 (hg19) VCF-style: chr2-27456313-T-C.
Other names: c.2936T>C, p.Ile979Thr (NM_001306079.2); short protein forms I1042T, I979T.
Identifiers: ClinVar variation 1993881 (VCV001993881.4), dbSNP rs1675860353, ClinGen allele CA346213739.
Genomic context (GRCh38, chr2:27,233,445, plus strand): 5'-ACATGGCCATGGCGTTGCATCGGCAGCAGTGCCGGGTGCTGGGCACCTCCCCTGAAGCCA[T>C]TGACTCGGCTGAGAACCGTTTCAAGTTTTCCCGGCTCCTTGACACCATTGGTATCAGCCA-3'
Protein context (NP_004332.2, residues 1032-1052): CRVLGTSPEA[Ile1042Thr]DSAENRFKFS